The following is an entry in ClinVar:

NM_000147.5(FUCA1):c.1A>G (p.Met1Val)

Gene: FUCA1 (alpha-L-fucosidase 1; minus strand). Cytogenetic location: 1p36.11.
Variant type: single nucleotide variant.
Coding change: c.1A>G on transcript NM_000147.5 (MANE Select); coding-DNA position 1, A replaced by G.
Protein change: p.Met1Val; changes the start codon (methionine 1).
Molecular consequence: missense variant, initiator codon variant.
Genome position (GRCh38, 1-based): chr1:23,868,286, T>C on the plus strand (A>G on the coding strand, the complement: FUCA1 is on the minus strand). VCF-style: chr1-23868286-T-C. GRCh37 (hg19) VCF-style: chr1-24194776-T-C.
Other names: short protein forms M1V.
Identifiers: ClinVar variation 1321454 (VCV001321454.12), dbSNP rs558338123, ClinGen allele CA686653.

ClinVar aggregate classification (germline): Uncertain significance. Review status: criteria provided, multiple submitters, no conflicts (2 of 4 stars). 5 submissions from 5 submitters: Uncertain significance (5). Last evaluated 2026-06-22.

Conditions:
Fucosidosis. Also called: ALPHA-L-FUCOSIDASE DEFICIENCY. Identifiers: Orphanet 349, MedGen C0016788, MONDO:0009254, OMIM 230000.

Allele frequency attached by ClinVar (database versions not stated): ExAC below 0.00001; gnomAD 0.00007; gnomAD exomes 0.00008 and 0.00012; TOPMed 0.00008; 1000 Genomes Project 30x 0.00016; 1000 Genomes Project 0.00020.

Submissions (5):

Women's Health and Genetics/Laboratory Corporation of America, LabCorp
Classification: Uncertain significance. Last evaluated: 2026-06-22. Review status: criteria provided, single submitter. Criteria: LabCorp Variant Classification Summary - May 2015. Collection method: clinical testing. Allele origin: germline.
Comment: Variant summary: FUCA1 c.1A>G (p.Met1Val) alters the initiation codon and is predicted to result either in absence of the protein or truncation of the encoded protein due to translation initiation at a downstream codon. However, an alternative in-frame start codon (Met6) is located in the encoded protein. An activation of potential downstream translation initiation site would result in a shortened protein missing the first 5 amino acids from the protein sequence. To our knowledge no other pathogenic variants has been reported upstream of this alternate start codon. The variant allele was found at a frequency of 0.00012 in 138740 control chromosomes. This frequency is not significantly higher than estimated for disease-causing variants in FUCA1, allowing no conclusion about variant significance. To our knowledge, no occurrence of c.1A>G in individuals affected with FUCA1-related conditions and no experimental evidence demonstrating its impact on protein function have been reported. ClinVar contains an entry for this variant (Variation ID: 1321454). Based on the evidence outlined above, the variant was classified as uncertain significance.

Blueprint Genetics
Classification: Uncertain significance. Last evaluated: 2024-11-22. Review status: criteria provided, single submitter. Criteria: ACMG Guidelines, 2015. Collection method: clinical testing. Allele origin: germline.

3billion
Classification: Uncertain significance for Fucosidosis. Last evaluated: 2023-10-24. Review status: criteria provided, single submitter. Criteria: ACMG Guidelines, 2015. Collection method: clinical testing. Allele origin: germline. Affected: yes.
Comment: The variant is observed at an extremely low frequency in the gnomAD v2.1.1 dataset (total allele frequency: 0.010%). Predicted Consequence/Location: Start-lost: reinitiation of translation may occur at a downstream alternate start codon but still result in a loss or disruption of normal protein function. There is one likely pathogenic variant reported in the predicted truncated region (ClinVar: VCV001324433). Therefore, this variant is classified as VUS according to the recommendation of ACMG/AMP guideline.

Labcorp Genetics (formerly Invitae), Labcorp
Classification: Uncertain significance for Fucosidosis. Last evaluated: 2022-08-19. Review status: criteria provided, single submitter. Criteria: Invitae Variant Classification Sherloc (09022015). Collection method: clinical testing. Allele origin: germline.
Comment: This sequence change affects the initiator methionine of the FUCA1 mRNA. The next in-frame methionine is located at codon 6. This variant is present in population databases (rs558338123, gnomAD 0.02%). This variant has not been reported in the literature in individuals affected with FUCA1-related conditions. ClinVar contains an entry for this variant (Variation ID: 1321454). Algorithms developed to predict the effect of sequence changes on RNA splicing suggest that this variant may create or strengthen a splice site. In summary, the available evidence is currently insufficient to determine the role of this variant in disease. Therefore, it has been classified as a Variant of Uncertain Significance.

Breakthrough Genomics
Classification: Uncertain significance. Review status: criteria provided, single submitter. Criteria: ACMG Guidelines, 2015. Collection method: not provided. Allele origin: germline. Inheritance: Autosomal recessive inheritance. Affected: yes.

Literature cited by the submitters: PubMed 31980526 (cited by Women's Health and Genetics/Laboratory Corporation of America, LabCorp).